The following is an entry in ClinVar:

NM_002968.3(SALL1):c.2957T>C (p.Leu986Ser)

Gene: SALL1 (spalt like transcription factor 1; minus strand). Cytogenetic location: 16q12.1.
Variant type: single nucleotide variant.
Coding change: c.2957T>C on transcript NM_002968.3 (MANE Select); coding-DNA position 2957, T replaced by C.
Protein change: p.Leu986Ser; replaces leucine 986 with serine.
Molecular consequence: missense variant.
Genome position (GRCh38, 1-based): chr16:51,139,265, A>G on the plus strand (T>C on the coding strand, the complement: SALL1 is on the minus strand). VCF-style: chr16-51139265-A-G. GRCh37 (hg19) VCF-style: chr16-51173176-A-G.
Other names: c.2957T>C (NM_002968.2); c.2666T>C, p.Leu889Ser (NM_001127892.2); short protein forms L889S, L986S.
Identifiers: ClinVar variation 1422600 (VCV001422600.9), dbSNP rs764408117, ClinGen allele CA8053006.

ClinVar aggregate classification (germline): Uncertain significance. Review status: criteria provided, multiple submitters, no conflicts (2 of 4 stars). 4 submissions from 4 submitters: Uncertain significance (4). Last evaluated 2024-01-30.

Conditions:
Inborn genetic diseases. Identifiers: MedGen C0950123, MeSH D030342.
Townes syndrome (TBS). Also called: Townes-Brocks syndrome. Identifiers: Orphanet 857, MedGen C0265246, MeSH C536974, MONDO:0007142.
SALL1-related disorder. Also called: SALL1-related condition.
Townes-Brocks syndrome 1 (TBS1). Also called: DEAFNESS, SENSORINEURAL, WITH IMPERFORATE ANUS AND THUMB ANOMALIES; SALL1-Related Townes-Brocks Syndrome; REAR SYNDROME; RENAL-EAR-ANAL-RADIAL SYNDROME. Identifiers: Orphanet 857, MedGen C4551481, MONDO:0054581, OMIM 107480.

Allele frequency attached by ClinVar (database versions not stated): gnomAD 0.00001; TOPMed 0.00001; ExAC 0.00002; gnomAD exomes 0.00002.

Submissions (4):

Ambry Genetics
Classification: Uncertain significance for Inborn genetic diseases. Last evaluated: 2024-01-30. Review status: criteria provided, single submitter. Criteria: Ambry Variant Classification Scheme 2023. Collection method: clinical testing. Allele origin: germline.

Labcorp Genetics (formerly Invitae), Labcorp
Classification: Uncertain significance for Townes syndrome. Last evaluated: 2024-01-04. Review status: criteria provided, single submitter. Criteria: Invitae Variant Classification Sherloc (09022015). Collection method: clinical testing. Allele origin: germline.
Comment: This sequence change replaces leucine, which is neutral and non-polar, with serine, which is neutral and polar, at codon 986 of the SALL1 protein (p.Leu986Ser). This variant is present in population databases (rs764408117, gnomAD 0.004%). This variant has not been reported in the literature in individuals affected with SALL1-related conditions. This missense change has been observed in at least one individual who was not affected with SALL1-related conditions (Invitae). ClinVar contains an entry for this variant (Variation ID: 1422600). Advanced modeling of protein sequence and biophysical properties (such as structural, functional, and spatial information, amino acid conservation, physicochemical variation, residue mobility, and thermodynamic stability) performed at Invitae indicates that this missense variant is expected to disrupt SALL1 protein function with a positive predictive value of 80%. In summary, the available evidence is currently insufficient to determine the role of this variant in disease. Therefore, it has been classified as a Variant of Uncertain Significance.

PreventionGenetics, part of Exact Sciences
Classification: Uncertain significance for SALL1-related condition. Last evaluated: 2023-04-11. Review status: criteria provided, single submitter. Criteria: ACMG Guidelines, 2015. Collection method: clinical testing. Allele origin: germline.
Comment: The SALL1 c.2957T>C variant is predicted to result in the amino acid substitution p.Leu986Ser. To our knowledge, this variant has not been reported in the literature. This variant is reported in 0.0035% of alleles in individuals of European (Non-Finnish) descent in gnomAD. At this time, the clinical significance of this variant is uncertain due to the absence of conclusive functional and genetic evidence.

Fulgent Genetics
Classification: Uncertain significance for Townes-Brocks syndrome 1. Last evaluated: 2021-10-29. Review status: criteria provided, single submitter. Criteria: ACMG Guidelines, 2015. Collection method: clinical testing. Allele origin: unknown.